The following is an entry in ClinVar:

NM_001387690.1(KATNAL2):c.736C>A (p.Leu246Ile)

Gene: KATNAL2 (katanin catalytic subunit A1 like 2; plus strand). Cytogenetic location: 18q21.1.
Variant type: single nucleotide variant.
Coding change: c.736C>A on transcript NM_001387690.1 (MANE Select); coding-DNA position 736, C replaced by A.
Protein change: p.Leu246Ile; replaces leucine 246 with isoleucine.
Molecular consequence: missense variant. On other transcripts: intron variant (4).
Genome position (GRCh38, 1-based): chr18:47,067,030, C>A. VCF-style: chr18-47067030-C-A. GRCh37 (hg19) VCF-style: chr18-44593401-C-A.
Other names: c.814C>A, p.Leu272Ile (NM_001353899.1); c.811C>A, p.Leu271Ile (NM_001353900.1); c.736C>A, p.Leu246Ile (NM_001353901.1, NM_001367621.1); c.403C>A, p.Leu135Ile (NM_001353903.1, NM_001353905.1, NM_001353906.1 and 1 more transcripts); c.520C>A, p.Leu174Ile (NM_031303.3); c.394-2190C>A (NM_001353904.1, NM_001353909.1, NM_001353908.1); c.805-2190C>A (NM_001353902.1); c.520C>A (NM_031303.2); short protein forms L135I, L174I, L246I, L271I, L272I.
Identifiers: ClinVar variation 1098699 (VCV001098699.3), dbSNP rs746242557, ClinGen allele CA8955082.

ClinVar aggregate classification (germline): Uncertain significance. Review status: criteria provided, multiple submitters, no conflicts (2 of 4 stars). 3 submissions from 3 submitters: Uncertain significance (3). Last evaluated 2023-12-18.

Conditions:
KATNAL2-related disorder. Also called: KATNAL2-related condition.

Allele frequency attached by ClinVar (database versions not stated): gnomAD exomes 0.00002 and 0.00004; ExAC 0.00003; TOPMed 0.00008; gnomAD 0.00009.
gnomAD v4.1: 41 of 1,582,124 alleles (0.0026%); highest among the groups gnomAD compares: African/African-American, 0.027%; no homozygotes.

Submissions (3):

Ambry Genetics
Classification: Uncertain significance. Last evaluated: 2023-12-18. Review status: criteria provided, single submitter. Criteria: Ambry Variant Classification Scheme 2023. Collection method: clinical testing. Allele origin: germline.

PreventionGenetics, part of Exact Sciences
Classification: Uncertain significance for KATNAL2-related condition. Last evaluated: 2023-03-23. Review status: criteria provided, single submitter. Criteria: ACMG Guidelines, 2015. Collection method: clinical testing. Allele origin: germline.
Comment: The KATNAL2 c.520C>A variant is predicted to result in the amino acid substitution p.Leu174Ile. To our knowledge, this variant has not been reported in the literature. This variant is reported in 0.049% of alleles in individuals of Ashkenazi Jewish descent in gnomAD. At this time, the clinical significance of this variant is uncertain due to the absence of conclusive functional and genetic evidence.

New York Genome Center
Classification: Uncertain significance. Last evaluated: 2020-07-02. Review status: criteria provided, single submitter. Criteria: NYGC Assertion Criteria 2020. Collection method: clinical testing. Allele origin: germline. Observed: 1 heterozygote. Study: CSER-NYCKidSeq.